The following is an entry in ClinVar:

ClinVar aggregate classification (germline): Pathogenic (1 of 4 stars; one submission).

Conditions:
Medium-chain acyl-coenzyme A dehydrogenase deficiency (ACADMD). Also called: ACADM DEFICIENCY; CARNITINE DEFICIENCY SECONDARY TO MEDIUM-CHAIN ACYL-CoA DEHYDROGENASE DEFICIENCY; MCADH DEFICIENCY; MCADD; Medium chain acyl-CoA dehydrogenase deficiency; MCAD Deficiency. Identifiers: Orphanet 42, MedGen C0220710, MONDO:0008721, OMIM 201450.

Submission:

Myriad Genetics, Inc.
Classification: Pathogenic for Medium-chain acyl-coenzyme A dehydrogenase deficiency. Last evaluated: 2025-05-07. Review status: criteria provided, single submitter. Criteria: Myriad Autosomal Dominant, Autosomal Recessive and X-Linked Classification Criteria (2023). Collection method: clinical testing. Allele origin: unknown.
Comment: NM_000016.4(ACADM):c.586G>T(G196*) is expected to be pathogenic in the context of medium-chain acyl-CoA dehydrogenase deficiency. This variant is predicted to lead to an abnormal or absent protein product due to the creation of a premature termination codon in ACADM, a gene where loss-of-function variants are known to be pathogenic. Please note: this variant was assessed in the context of healthy population screening.

NM_000016.6(ACADM):c.586G>T (p.Gly196Ter)

Gene: ACADM (acyl-CoA dehydrogenase medium chain; plus strand). Cytogenetic location: 1p31.1.
Variant type: single nucleotide variant.
Coding change: c.586G>T on transcript NM_000016.6 (MANE Select); coding-DNA position 586, G replaced by T.
Protein change: p.Gly196Ter; replaces glycine 196 with a stop codon.
Molecular consequence: nonsense.
Genome position (GRCh38, 1-based): chr1:75,740,097, G>T. VCF-style: chr1-75740097-G-T. GRCh37 (hg19) VCF-style: chr1-76205782-G-T.
Other names: c.598G>T, p.Gly200Ter (NM_001127328.3); c.478G>T, p.Gly160Ter (NM_001286042.2); c.685G>T, p.Gly229Ter (NM_001286043.2); c.19G>T, p.Gly7Ter (NM_001286044.2); short protein forms G160*, G196*, G200*, G229*, G7*.
Identifiers: ClinVar variation 5014403 (VCV005014403.1).